The following is an entry in ClinVar:

ClinVar aggregate classification (germline): Pathogenic (1 of 4 stars; one submission).

Conditions:
Deficiency of adenosine deaminase 2. Also called: Adenosine Deaminase 2 Deficiency; VASCULITIS, AUTOINFLAMMATION, IMMUNODEFICIENCY, AND HEMATOLOGIC DEFECTS SYNDROME; Polyarteritis nodosa, childhoood-onset. Identifiers: Orphanet 404553, MedGen C3887654, MONDO:0014306, OMIM 615688, MONDO:0100317.

Submission:

Labcorp Genetics (formerly Invitae), Labcorp
Classification: Pathogenic for Deficiency of adenosine deaminase 2. Last evaluated: 2023-03-08. Review status: criteria provided, single submitter. Criteria: Invitae Variant Classification Sherloc (09022015). Collection method: clinical testing. Allele origin: unknown.
Comment: This variant has not been reported in the literature in individuals affected with ADA2-related conditions. This variant is a gross deletion of the genomic region encompassing exon(s) 8 of the ADA2 gene. This deletion is out-of-frame, and is expected to create a premature termination codon and result in an absent or disrupted protein product. Loss-of-function variants in ADA2 are known to be pathogenic (PMID: 24552284, 24552285). For these reasons, this variant has been classified as Pathogenic.

Literature cited by the submitters: PubMed 24552284; PubMed 24552285.

NC_000022.10:g.(?_17663474)_(17663671_?)del

Gene: ADA2 (adenosine deaminase 2; minus strand). Cytogenetic location: 22q11.1.
Variant type: Deletion.
Identifiers: ClinVar variation 3248018 (VCV003248018.1).